The following is an entry in ClinVar:

ClinVar aggregate classification (germline): Uncertain significance (1 of 4 stars; one submission).

Conditions:
Hereditary cancer-predisposing syndrome. Also called: Neoplastic Syndromes, Hereditary; Tumor predisposition; Hereditary neoplastic syndrome; Hereditary Cancer Syndrome. Identifiers: Orphanet 140162, MedGen C0027672, MeSH D009386, MONDO:0015356.

Submission:

Ambry Genetics
Classification: Uncertain significance for Hereditary cancer-predisposing syndrome. Last evaluated: 2024-04-28. Review status: criteria provided, single submitter. Criteria: Ambry Variant Classification Scheme 2023. Collection method: clinical testing. Allele origin: germline.
Comment: The p.A886T variant (also known as c.2656G>A), located in coding exon 17 of the ATM gene, results from a G to A substitution at nucleotide position 2656. The alanine at codon 886 is replaced by threonine, an amino acid with similar properties. This amino acid position is conserved. In addition, this alteration is predicted to be tolerated by in silico analysis. Based on the available evidence, the clinical significance of this variant remains unclear.

NM_000051.4(ATM):c.2656G>A (p.Ala886Thr)

Gene: ATM (ATM serine/threonine kinase; plus strand). Cytogenetic location: 11q22.3.
Variant type: single nucleotide variant.
Coding change: c.2656G>A on transcript NM_000051.4 (MANE Select); coding-DNA position 2656, G replaced by A.
Protein change: p.Ala886Thr; replaces alanine 886 with threonine.
Molecular consequence: missense variant.
Genome position (GRCh38, 1-based): chr11:108,268,427, G>A. VCF-style: chr11-108268427-G-A. GRCh37 (hg19) VCF-style: chr11-108139154-G-A.
Other names: c.2656G>A, p.Ala886Thr (NM_001351834.2); short protein forms A886T.
Identifiers: ClinVar variation 3325768 (VCV003325768.1).